The following is an entry in ClinVar:

ClinVar aggregate classification (germline): Likely pathogenic (1 of 4 stars; one submission).

gnomAD v4.1: 2 of 1,614,190 alleles (0.00012%); highest among the groups gnomAD compares: South Asian, 0.0022%; no homozygotes.

Submission:

Labcorp Genetics (formerly Invitae), Labcorp
Classification: Likely pathogenic. Last evaluated: 2024-02-06. Review status: criteria provided, single submitter. Criteria: Invitae Variant Classification Sherloc (09022015). Collection method: clinical testing. Allele origin: germline.
Comment: This sequence change affects a donor splice site in intron 42 of the TG gene. It is expected to disrupt RNA splicing. Variants that disrupt the donor or acceptor splice site typically lead to a loss of protein function (PMID: 16199547), and loss-of-function variants in TG are known to be pathogenic (PMID: 19837936, 23164529). This variant is present in population databases (no rsID available, gnomAD 0.003%). This variant has not been reported in the literature in individuals affected with TG-related conditions. Algorithms developed to predict the effect of sequence changes on RNA splicing suggest that this variant may disrupt the consensus splice site. In summary, the currently available evidence indicates that the variant is pathogenic, but additional data are needed to prove that conclusively. Therefore, this variant has been classified as Likely Pathogenic.

Literature cited by the submitters: PubMed 16199547; PubMed 19837936; PubMed 23164529.

NM_003235.5(TG):c.7404+1G>A

Genes: SLA (Src like adaptor; minus strand), TG (thyroglobulin; plus strand). Cytogenetic location: 8q24.22.
Variant type: single nucleotide variant.
Coding change: c.7404+1G>A on transcript NM_003235.5 (MANE Select); the canonical splice donor site of the intron after coding-DNA position 7404, G replaced by A.
Molecular consequence: splice donor variant. On other transcripts: intron variant (4).
Genome position (GRCh38, 1-based): chr8:133,095,209, G>A. VCF-style: chr8-133095209-G-A. GRCh37 (hg19) VCF-style: chr8-134107453-G-A.
Other names: c.-264+7344C>T (NM_001282965.2); c.11+7344C>T (NM_001282964.2, NM_001045557.3); c.-319+7344C>T (NM_001045556.3).
Identifiers: ClinVar variation 3672100 (VCV003672100.2).